The following is an entry in ClinVar:

NM_001060.6(TBXA2R):c.568G>A (p.Glu190Lys)

Gene: TBXA2R (thromboxane A2 receptor; minus strand). Cytogenetic location: 19p13.3.
Variant type: single nucleotide variant.
Coding change: c.568G>A on transcript NM_001060.6 (MANE Select); coding-DNA position 568, G replaced by A.
Protein change: p.Glu190Lys; replaces glutamic acid 190 with lysine.
Molecular consequence: missense variant.
Genome position (GRCh38, 1-based): chr19:3,600,067, C>T on the plus strand (G>A on the coding strand, the complement: TBXA2R is on the minus strand). VCF-style: chr19-3600067-C-T. GRCh37 (hg19) VCF-style: chr19-3600065-C-T.
Other names: c.568G>A, p.Glu190Lys (NM_201636.3); short protein forms E190K.
Identifiers: ClinVar variation 2891828 (VCV002891828.4), dbSNP rs769254342, ClinGen allele CA9080830.

ClinVar aggregate classification (germline): Uncertain significance. Review status: criteria provided, multiple submitters, no conflicts (2 of 4 stars). 2 submissions from 2 submitters: Uncertain significance (2). Last evaluated 2025-05-05.

Conditions:
Inborn genetic diseases. Identifiers: MedGen C0950123, MeSH D030342.

Allele frequency attached by ClinVar (database versions not stated): ExAC 0.00001; gnomAD 0.00001; gnomAD exomes 0.00001.

Submissions (2):

Ambry Genetics
Classification: Uncertain significance for Inborn genetic diseases. Last evaluated: 2025-05-05. Review status: criteria provided, single submitter. Criteria: Ambry Variant Classification Scheme 2023. Collection method: clinical testing. Allele origin: germline.

Labcorp Genetics (formerly Invitae), Labcorp
Classification: Uncertain significance. Last evaluated: 2023-06-25. Review status: criteria provided, single submitter. Criteria: Invitae Variant Classification Sherloc (09022015). Collection method: clinical testing. Allele origin: germline.
Comment: In summary, the available evidence is currently insufficient to determine the role of this variant in disease. Therefore, it has been classified as a Variant of Uncertain Significance. Advanced modeling of protein sequence and biophysical properties (such as structural, functional, and spatial information, amino acid conservation, physicochemical variation, residue mobility, and thermodynamic stability) performed at Invitae indicates that this missense variant is not expected to disrupt TBXA2R protein function. This variant has not been reported in the literature in individuals affected with TBXA2R-related conditions. The frequency data for this variant in the population databases is considered unreliable, as metrics indicate poor data quality at this position in the gnomAD database. This sequence change replaces glutamic acid, which is acidic and polar, with lysine, which is basic and polar, at codon 190 of the TBXA2R protein (p.Glu190Lys).